The following is an entry in ClinVar:

NM_182641.4(BPTF):c.5636G>T (p.Gly1879Val)

Gene: BPTF (bromodomain PHD finger transcription factor; plus strand). Cytogenetic location: 17q24.2.
Variant type: single nucleotide variant.
Coding change: c.5636G>T on transcript NM_182641.4 (MANE Select); coding-DNA position 5636, G replaced by T.
Protein change: p.Gly1879Val; replaces glycine 1879 with valine.
Molecular consequence: missense variant.
Genome position (GRCh38, 1-based): chr17:67,922,918, G>T. VCF-style: chr17-67922918-G-T. GRCh37 (hg19) VCF-style: chr17-65919034-G-T.
Other names: c.6014G>T, p.Gly2005Val (NM_004459.7); short protein forms G1879V, G2005V.
Identifiers: ClinVar variation 3363776 (VCV003363776.1).

ClinVar aggregate classification (germline): Uncertain significance (1 of 4 stars; one submission).

gnomAD v4.1: 1 of 1,614,112 alleles (0.000062%); highest among the groups gnomAD compares: Non-Finnish European, 0.000085%; no homozygotes.

Submission:

GeneDx
Classification: Uncertain significance. Last evaluated: 2023-11-01. Review status: criteria provided, single submitter. Criteria: GeneDx Variant Classification Process June 2021. Collection method: clinical testing. Allele origin: germline. Affected: yes.
Comment: Not observed at significant frequency in large population cohorts (gnomAD); In silico analysis supports that this missense variant has a deleterious effect on protein structure/function; Has not been previously published as pathogenic or benign to our knowledge